The following is an entry in ClinVar:

NM_014639.4(SKIC3):c.3052dup (p.Thr1018fs)

Gene: SKIC3 (SKI3 subunit of superkiller complex; minus strand). Cytogenetic location: 5q15.
Variant type: Duplication.
Coding change: c.3052dup on transcript NM_014639.4 (MANE Select); coding-DNA position 3052, one base duplicated (A; older notation c.3052dupA).
Protein change: p.Thr1018fs; shifts the reading frame from threonine 1018.
Molecular consequence: frameshift variant.
Genome position (GRCh38, 1-based): chr5:95,506,974, T duplicated on the plus strand (A on the coding strand, the reverse complement: SKIC3 is on the minus strand). VCF-style (leftmost placement, unchanged base first): chr5-95506973-G-GT. GRCh37 (hg19) VCF-style: chr5-94842677-G-GT.
Other names: short protein forms T1018fs.
Identifiers: ClinVar variation 3704387 (VCV003704387.3).

ClinVar aggregate classification (germline): Pathogenic/Likely pathogenic. Review status: criteria provided, multiple submitters, no conflicts (2 of 4 stars). 2 submissions from 2 submitters: Pathogenic (1); Likely pathogenic (1). Last evaluated 2025-04-11.

Conditions:
TTC37-related disorders.

Submissions (2):

Labcorp Genetics (formerly Invitae), Labcorp
Classification: Pathogenic. Last evaluated: 2025-04-11. Review status: criteria provided, single submitter. Criteria: Invitae Variant Classification Sherloc (09022015). Collection method: clinical testing. Allele origin: germline.
Comment: This sequence change creates a premature translational stop signal (p.Thr1018Asnfs*18) in the TTC37 gene. It is expected to result in an absent or disrupted protein product. Loss-of-function variants in TTC37 are known to be pathogenic (PMID: 20176027, 21120949). This variant is not present in population databases (gnomAD no frequency). This premature translational stop signal has been observed in individual(s) with trichohepatoenteric syndrome (PMID: 29527791). This variant is also known as c.3051_3052insA. ClinVar contains an entry for this variant (Variation ID: 3704387). For these reasons, this variant has been classified as Pathogenic.

Blueprint Genetics
Classification: Likely pathogenic for TTC37-related disorders. Last evaluated: 2020-11-18. Review status: criteria provided, single submitter. Criteria: ACMG Guidelines, 2015. Collection method: clinical testing. Allele origin: germline. Affected: yes. Observed: 1 variant allele.

Literature cited by the submitters: PubMed 20176027 (cited by Labcorp Genetics (formerly Invitae), Labcorp); PubMed 21120949 (cited by Labcorp Genetics (formerly Invitae), Labcorp); PubMed 29527791 (cited by Labcorp Genetics (formerly Invitae), Labcorp).